The following is an entry in ClinVar:

NM_001375524.1(TRRAP):c.7571T>C (p.Met2524Thr)

Gene: TRRAP (transformation/transcription domain associated protein; plus strand). Cytogenetic location: 7q22.1.
Variant type: single nucleotide variant.
Coding change: c.7571T>C on transcript NM_001375524.1 (MANE Select); coding-DNA position 7571, T replaced by C.
Protein change: p.Met2524Thr; replaces methionine 2524 with threonine.
Molecular consequence: missense variant.
Genome position (GRCh38, 1-based): chr7:98,970,170, T>C. VCF-style: chr7-98970170-T-C. GRCh37 (hg19) VCF-style: chr7-98567793-T-C.
Other names: c.7550T>C, p.Met2517Thr (NM_001244580.2); c.7496T>C, p.Met2499Thr (NM_003496.4); short protein forms M2499T, M2517T, M2524T.
Identifiers: ClinVar variation 4697607 (VCV004697607.1).
Genomic context (GRCh38, chr7:98,970,170, plus strand): 5'-AGCTGCTTCTGGCCGTGTGTGAGAAGAGCACCCCCATTGGCACCAGCTGCCAAGGAGCCA[T>C]GCTCCCGTCCATCACCAACGTCATCAACCTGGCCGATAGCCACGACCGTGCCGCCTTCGC-3'
Protein context (NP_001362453.1, residues 2514-2534): TPIGTSCQGA[Met2524Thr]LPSITNVINL

ClinVar aggregate classification (germline): Uncertain significance (1 of 4 stars; one submission).

gnomAD v4.1: 8 of 1,613,852 alleles (0.0005%); highest among the groups gnomAD compares: African/African-American, 0.0067%; no homozygotes.

Submission:

Labcorp Genetics (formerly Invitae), Labcorp
Classification: Uncertain significance. Last evaluated: 2025-12-25. Review status: criteria provided, single submitter. Criteria: Invitae Variant Classification Sherloc (09022015). Collection method: clinical testing. Allele origin: germline.
Comment: This sequence change replaces methionine, which is neutral and non-polar, with threonine, which is neutral and polar, at codon 2499 of the TRRAP protein (p.Met2499Thr). This variant is present in population databases (rs761386201, gnomAD 0.02%). This variant has not been reported in the literature in individuals affected with TRRAP-related conditions. Invitae Evidence Modeling of protein sequence and biophysical properties (such as structural, functional, and spatial information, amino acid conservation, physicochemical variation, residue mobility, and thermodynamic stability) indicates that this missense variant is not expected to disrupt TRRAP protein function with a negative predictive value of 80%. In summary, the available evidence is currently insufficient to determine the role of this variant in disease. Therefore, it has been classified as a Variant of Uncertain Significance.